The following is an entry in ClinVar:

NM_020297.4(ABCC9):c.3917G>A (p.Trp1306Ter)

Genes: ABCC9 (ATP binding cassette subfamily C member 9; minus strand), KCNJ8-AS1 (KCNJ8 antisense RNA 1; plus strand). Cytogenetic location: 12p12.1.
Variant type: single nucleotide variant.
Coding change: c.3917G>A on transcript NM_020297.4 (MANE Select); coding-DNA position 3917, G replaced by A.
Protein change: p.Trp1306Ter; replaces tryptophan 1306 with a stop codon.
Molecular consequence: nonsense.
Genome position (GRCh38, 1-based): chr12:21,815,869, C>T on the plus strand (G>A on the coding strand, the complement: ABCC9 is on the minus strand). VCF-style: chr12-21815869-C-T. GRCh37 (hg19) VCF-style: chr12-21968803-C-T.
Other names: c.3917G>A, p.Trp1306Ter (NM_001377273.1, NM_005691.4); c.3050G>A, p.Trp1017Ter (NM_001377274.1); short protein forms W1017*, W1306*.
Identifiers: ClinVar variation 3390249 (VCV003390249.14).
Genomic context (GRCh38, chr12:21,815,869, plus strand): 5'-TTCAGATTATTTTCATATCTGACACACAGATCATGTATCTTGATCTCCCCTTCTTGTGGC[C>T]AATGTTCTGGAACTTGAGAAGGATCTGGAGGATGGGATGGGGAAATAGACAGATAATAGG-3'

ClinVar aggregate classification (germline): Pathogenic (1 of 4 stars; one submission).

gnomAD v4.1: 5 of 1,612,870 alleles (0.00031%); highest among the groups gnomAD compares: Non-Finnish European, 0.00042%; no homozygotes.

Submission:

CeGaT Center for Human Genetics Tuebingen
Classification: Pathogenic. Last evaluated: 2024-11-01. Review status: criteria provided, single submitter. Criteria: CeGaT Center For Human Genetics Tuebingen Variant Classification Criteria Version 2. Collection method: clinical testing. Allele origin: germline. Affected: yes. Observed: 1 variant allele.
Comment: ABCC9: PVS1, PM2